The following is an entry in ClinVar:

NM_000217.3(KCNA1):c.1382T>C (p.Met461Thr)

Gene: KCNA1 (potassium voltage-gated channel subfamily A member 1; plus strand). Cytogenetic location: 12p13.32.
Variant type: single nucleotide variant.
Coding change: c.1382T>C on transcript NM_000217.3 (MANE Select); coding-DNA position 1382, T replaced by C.
Protein change: p.Met461Thr; replaces methionine 461 with threonine.
Molecular consequence: missense variant.
Genome position (GRCh38, 1-based): chr12:4,912,760, T>C. VCF-style: chr12-4912760-T-C. GRCh37 (hg19) VCF-style: chr12-5021926-T-C.
Other names: c.1382T>C (NM_000217.2); short protein forms M461T.
Identifiers: ClinVar variation 1039751 (VCV001039751.9), dbSNP rs767068909, ClinGen allele CA6399499.

ClinVar aggregate classification (germline): Uncertain significance. Review status: criteria provided, multiple submitters, no conflicts (2 of 4 stars). 2 submissions from 2 submitters: Uncertain significance (2). Last evaluated 2024-12-12.

Conditions:
Episodic ataxia type 1 (EA1). Also called: ATAXIA, EPISODIC, WITH MYOKYMIA; Episodic ataxia/myokymia syndrome; PAROXYSMAL ATAXIA WITH NEUROMYOTONIA, HEREDITARY; MYOKYMIA WITH PERIODIC ATAXIA. Identifiers: Orphanet 37612, Orphanet 972, MedGen C1719788, MONDO:0008047, OMIM 160120.
Inborn genetic diseases. Identifiers: MedGen C0950123, MeSH D030342.

Allele frequency attached by ClinVar (database versions not stated): gnomAD exomes below 0.00001 and 0.00001; ExAC 0.00001; gnomAD 0.00001.
gnomAD v4.1: 7 of 1,613,970 alleles (0.00043%); highest among the groups gnomAD compares: South Asian, 0.0011%; no homozygotes.

Submissions (2):

Ambry Genetics
Classification: Uncertain significance for Inborn genetic diseases. Last evaluated: 2024-12-12. Review status: criteria provided, single submitter. Criteria: Ambry Variant Classification Scheme 2023. Collection method: clinical testing. Allele origin: germline.

Labcorp Genetics (formerly Invitae), Labcorp
Classification: Uncertain significance for Episodic ataxia type 1. Last evaluated: 2022-05-28. Review status: criteria provided, single submitter. Criteria: Invitae Variant Classification Sherloc (09022015). Collection method: clinical testing. Allele origin: germline.
Comment: This variant is present in population databases (rs767068909, gnomAD 0.002%). This sequence change replaces methionine, which is neutral and non-polar, with threonine, which is neutral and polar, at codon 461 of the KCNA1 protein (p.Met461Thr). This variant has not been reported in the literature in individuals affected with KCNA1-related conditions. ClinVar contains an entry for this variant (Variation ID: 1039751). Advanced modeling of protein sequence and biophysical properties (such as structural, functional, and spatial information, amino acid conservation, physicochemical variation, residue mobility, and thermodynamic stability) performed at Invitae indicates that this missense variant is not expected to disrupt KCNA1 protein function. In summary, the available evidence is currently insufficient to determine the role of this variant in disease. Therefore, it has been classified as a Variant of Uncertain Significance.